The following is an entry in ClinVar:

NM_000021.4(PSEN1):c.953A>G (p.Glu318Gly)

Gene: PSEN1 (presenilin 1; plus strand). Cytogenetic location: 14q24.2.
Variant type: single nucleotide variant.
Coding change: c.953A>G on transcript NM_000021.4 (MANE Select); coding-DNA position 953, A replaced by G.
Protein change: p.Glu318Gly; replaces glutamic acid 318 with glycine.
Molecular consequence: missense variant.
Genome position (GRCh38, 1-based): chr14:73,206,470, A>G. VCF-style: chr14-73206470-A-G. GRCh37 (hg19) VCF-style: chr14-73673178-A-G.
Other names: c.941A>G, p.Glu314Gly (NM_007318.3); short protein forms E318G, E314G.
Identifiers: ClinVar variation 98094 (VCV000098094.28), dbSNP rs17125721, ClinGen allele CA225145.

ClinVar aggregate classification (germline): Benign/Likely benign. Review status: criteria provided, multiple submitters, no conflicts (2 of 4 stars). 14 submissions from 13 submitters: Benign (9); Likely benign (2). 3 of the submissions do not count toward it. Last evaluated 2026-02-01.

Conditions:
Dilated cardiomyopathy 1U. Identifiers: Orphanet 154, MedGen C3160720, MONDO:0013371, OMIM 613694.
Alzheimer disease 3 (AD3). Also called: ALZHEIMER DISEASE, FAMILIAL, 3. Identifiers: Orphanet 1020, MedGen C1843013, MONDO:0011913, OMIM 607822.
Pick disease. Also called: PICK DISEASE OF BRAIN; DEMENTIA WITH LOBAR ATROPHY AND NEURONAL CYTOPLASMIC INCLUSIONS; LOBAR ATROPHY OF BRAIN; Pick's disease; Pick Disease of the Brain. Identifiers: Orphanet 282, MedGen C0236642, MONDO:0008243, OMIM 172700.
Frontotemporal dementia (FTD1). Also called: FRONTOTEMPORAL DEMENTIA WITH PARKINSONISM; FRONTOTEMPORAL LOBE DEMENTIA; MULTIPLE SYSTEM TAUOPATHY WITH PRESENILE DEMENTIA; Frontotemporal Dementia with Parkinsonism-17 (FTDP-17); WILHELMSEN-LYNCH DISEASE; Dementia, frontotemporal, with or without parkinsonism. Identifiers: Orphanet 282, MedGen C0338451, MONDO:0017276, OMIM 600274, HP:0002145.
Acne inversa, familial, 3 (ACNINV3). Identifiers: MedGen C3151038, MONDO:0013398, OMIM 613737.
Alzheimer disease. Also called: Alzheimer's disease; Presenile and senile dementia. Identifiers: Orphanet 1020, MedGen C0002395, MeSH D000544, MONDO:0004975, HP:0002511.

Allele frequency attached by ClinVar (database versions not stated): 1000 Genomes Project 30x 0.00531; 1000 Genomes Project 0.00559; TOPMed 0.01223; ESP Exome Variant Server 0.01384; gnomAD 0.01455 and 0.01497; gnomAD exomes 0.01461 and 0.01816; ExAC 0.01530.
gnomAD v4.1: 28,583 of 1,607,260 alleles (1.8%); highest among the groups gnomAD compares: Non-Finnish European, 2%; 345 homozygotes.

Submissions (14):

Labcorp Genetics (formerly Invitae), Labcorp
Classification: Benign for Alzheimer disease 3; Pick disease; Acne inversa, familial, 3; Frontotemporal dementia. Last evaluated: 2026-02-01. Review status: criteria provided, single submitter. Criteria: Invitae Variant Classification Sherloc (09022015). Collection method: clinical testing. Allele origin: germline.

ARUP Laboratories, Molecular Genetics and Genomics, ARUP Laboratories
Classification: Benign. Last evaluated: 2025-03-17. Review status: criteria provided, single submitter. Criteria: ARUP Molecular Germline Variant Investigation Process 2024. Collection method: clinical testing. Allele origin: germline.

Mayo Clinic Laboratories, Mayo Clinic
Classification: Benign. Last evaluated: 2023-02-03. Review status: criteria provided, single submitter. Criteria: ACMG Guidelines, 2015. Collection method: clinical testing. Allele origin: germline. Observed: 35 variant alleles.
Comment: BS1, BS2

GeneDx
Classification: Benign. Last evaluated: 2020-02-11. Review status: criteria provided, single submitter. Criteria: GeneDx Variant Classification Process June 2021. Collection method: clinical testing. Allele origin: germline. Affected: yes.
Comment: This variant is associated with the following publications: (PMID: 10896268, 32087291, 30381075, 28798025, 29177109, 28554858, 27930341, 27535542, 27357204, 27312774, 8773614, 23990795, 10643802, 25333068, 20194882, 19111578, 22906081, 21959359, 21033353, 22810102, 16033913)

Illumina Laboratory Services, Illumina
Classification: Likely benign for Dilated cardiomyopathy 1U. Last evaluated: 2018-03-06. Review status: criteria provided, single submitter. Criteria: ICSL Variant Classification Criteria 13 December 2019. Collection method: clinical testing. Allele origin: germline.
Comment: This variant was observed in the ICSL laboratory as part of a predisposition screen in an ostensibly healthy population. It had not been previously curated by ICSL or reported in the Human Gene Mutation Database (HGMD: prior to June 1st, 2018), and was therefore a candidate for classification through an automated scoring system. Utilizing variant allele frequency, disease prevalence and penetrance estimates, and inheritance mode, an automated score was calculated to assess if this variant is too frequent to cause the disease. Based on the score and internal cut-off values, a variant classified as likely benign is not then subjected to further curation. The score for this variant resulted in a classification of likely benign for this disease.

Illumina Laboratory Services, Illumina
Classification: Benign for Alzheimer disease 3. Last evaluated: 2018-03-06. Review status: criteria provided, single submitter. Criteria: ICSL Variant Classification Criteria 13 December 2019. Collection method: clinical testing. Allele origin: germline.
Comment: This variant was observed in the ICSL laboratory as part of a predisposition screen in an ostensibly healthy population. It had not been previously curated by ICSL or reported in the Human Gene Mutation Database (HGMD: prior to June 1st, 2018), and was therefore a candidate for classification through an automated scoring system. Utilizing variant allele frequency, disease prevalence and penetrance estimates, and inheritance mode, an automated score was calculated to assess if this variant is too frequent to cause the disease. Based on the score and internal cut-off values, a variant classified as benign is not then subjected to further curation. The score for this variant resulted in a classification of benign for this disease.

Athena Diagnostics
Classification: Benign. Last evaluated: 2017-09-22. Review status: criteria provided, single submitter. Criteria: Athena Diagnostics Criteria. Collection method: clinical testing. Allele origin: germline.

Eurofins Ntd Llc (ga)
Classification: Benign. Last evaluated: 2017-02-07. Review status: criteria provided, single submitter. Criteria: EGL Classification Definitions 2015. Collection method: clinical testing. Allele origin: germline. Observed: 1 variant allele, 1 heterozygote.

Biesecker Lab/Clinical Genomics Section, National Institutes of Health
Classification: Benign for Alzheimer disease. Last evaluated: 2013-06-24. Review status: criteria provided, single submitter. Criteria: Ng et al. (Circ Cardiovasc Genet. 2013). Collection method: research. Allele origin: unknown. Observed: 33 variant alleles. Study: ClinSeq.
Comment: The study set was not selected for affection status in relation to any cancer. Pathogenicity categories were based on literature curation. See Pubmed ID:23861362 for details.

Medical sequencing

Breakthrough Genomics
Classification: Likely benign. Review status: criteria provided, single submitter. Criteria: ACMG Guidelines, 2015. Collection method: not provided. Allele origin: germline. Inheritance: Autosomal dominant inheritance. Affected: yes.

PreventionGenetics, part of Exact Sciences
Classification: Benign. Review status: criteria provided, single submitter. Criteria: ACMG Guidelines, 2015. Collection method: clinical testing. Allele origin: germline.

Clinical Genetics DNA and cytogenetics Diagnostics Lab, Erasmus MC, Erasmus Medical Center
Classification: Benign. Review status: no assertion criteria provided. Collection method: clinical testing. Allele origin: germline. Affected: yes. Study: VKGL Data-share Consensus. Not counted in ClinVar's aggregate classification.

Genome Diagnostics Laboratory, Amsterdam University Medical Center
Classification: Benign. Review status: no assertion criteria provided. Collection method: clinical testing. Allele origin: germline. Affected: yes. Study: VKGL Data-share Consensus. Not counted in ClinVar's aggregate classification.

VIB  Department of Molecular Genetics, University of Antwerp
No classification provided. Review status: no classification provided. Collection method: not provided. Allele origin: unknown. Not counted in ClinVar's aggregate classification.

Literature cited by the submitters: PubMed 10643802 (cited by Mayo Clinic Laboratories, Mayo Clinic and Athena Diagnostics); PubMed 21959359 (cited by Mayo Clinic Laboratories, Mayo Clinic and Athena Diagnostics); PubMed 27357204 (cited by Mayo Clinic Laboratories, Mayo Clinic and Athena Diagnostics); PubMed 32087291 (cited by Mayo Clinic Laboratories, Mayo Clinic); PubMed 27312774 (cited by Athena Diagnostics); PubMed 27535542 (cited by Athena Diagnostics); PubMed 25937274 (cited by Athena Diagnostics); PubMed 12192622 (cited by Athena Diagnostics); PubMed 16952411 (cited by Athena Diagnostics); PubMed 27930341 (cited by Athena Diagnostics); PubMed 27644130 (cited by Athena Diagnostics); PubMed 26166206 (cited by Athena Diagnostics); PubMed 20194882 (cited by Athena Diagnostics); PubMed 8773614 (cited by Athena Diagnostics); PubMed 9384602 (cited by Athena Diagnostics); PubMed 9851450 (cited by Athena Diagnostics); PubMed 9915968 (cited by Athena Diagnostics); PubMed 16216949 (cited by Athena Diagnostics); PubMed 16033913 (cited by Athena Diagnostics); PubMed 9851443 (cited by Athena Diagnostics); PubMed 18525293 (cited by Athena Diagnostics); PubMed 18350357 (cited by Athena Diagnostics); PubMed 19659892 (cited by Athena Diagnostics); PubMed 25333068 (cited by Athena Diagnostics); PubMed 23990795 (cited by Athena Diagnostics); PubMed 22810102 (cited by Athena Diagnostics); PubMed 19111578 (cited by Athena Diagnostics); PubMed 22906081 (cited by Athena Diagnostics); PubMed 15003276 (cited by Athena Diagnostics).